The following is an entry in ClinVar:

NM_032578.4(MYPN):c.1781T>C (p.Ile594Thr)

Gene: MYPN (myopalladin; plus strand). Cytogenetic location: 10q21.3.
Variant type: single nucleotide variant.
Coding change: c.1781T>C on transcript NM_032578.4 (MANE Select); coding-DNA position 1781, T replaced by C.
Protein change: p.Ile594Thr; replaces isoleucine 594 with threonine.
Molecular consequence: missense variant. On other transcripts: non-coding transcript variant (2).
Genome position (GRCh38, 1-based): chr10:68,166,474, T>C. VCF-style: chr10-68166474-T-C. GRCh37 (hg19) VCF-style: chr10-69926231-T-C.
Other names: c.1781T>C, p.Ile594Thr (NM_001256267.2); c.899T>C, p.Ile300Thr (NM_001256268.2); c.1781T>C (NM_032578.2); short protein forms I594T, I300T.
Identifiers: ClinVar variation 2160323 (VCV002160323.3), dbSNP rs2134168589, ClinGen allele CA376840165.

ClinVar aggregate classification (germline): Uncertain significance. Review status: criteria provided, multiple submitters, no conflicts (2 of 4 stars). 2 submissions from 2 submitters: Uncertain significance (2). Last evaluated 2024-01-23.

Conditions:
Dilated cardiomyopathy 1KK (CMD1KK). Identifiers: Orphanet 154, Orphanet 75249, MedGen C3714995, MONDO:0014100, OMIM 615248.
Cardiovascular phenotype. Identifiers: MedGen CN230736.

Allele frequency attached by ClinVar (database versions not stated): gnomAD exomes below 0.00001.
gnomAD v4.1: 1 of 1,614,022 alleles (0.000062%); highest among the groups gnomAD compares: East Asian, 0.0022%; no homozygotes.

Submissions (2):

Ambry Genetics
Classification: Uncertain significance for Cardiovascular phenotype. Last evaluated: 2024-01-23. Review status: criteria provided, single submitter. Criteria: Ambry Variant Classification Scheme 2023. Collection method: clinical testing. Allele origin: germline.

Labcorp Genetics (formerly Invitae), Labcorp
Classification: Uncertain significance for Dilated cardiomyopathy 1KK. Last evaluated: 2022-07-14. Review status: criteria provided, single submitter. Criteria: Invitae Variant Classification Sherloc (09022015). Collection method: clinical testing. Allele origin: germline.
Comment: In summary, the available evidence is currently insufficient to determine the role of this variant in disease. Therefore, it has been classified as a Variant of Uncertain Significance. Algorithms developed to predict the effect of missense changes on protein structure and function are either unavailable or do not agree on the potential impact of this missense change (SIFT: "Deleterious"; PolyPhen-2: "Benign"; Align-GVGD: "Class C25"). This variant has not been reported in the literature in individuals affected with MYPN-related conditions. This variant is not present in population databases (gnomAD no frequency). This sequence change replaces isoleucine, which is neutral and non-polar, with threonine, which is neutral and polar, at codon 594 of the MYPN protein (p.Ile594Thr).